The following is an entry in ClinVar:

ClinVar aggregate classification (germline): Uncertain significance (1 of 4 stars; one submission).

Conditions:
Hereditary cancer-predisposing syndrome. Also called: Neoplastic Syndromes, Hereditary; Hereditary neoplastic syndrome; Tumor predisposition; Hereditary Cancer Syndrome. Identifiers: Orphanet 140162, MedGen C0027672, MeSH D009386, MONDO:0015356.

Submission:

Ambry Genetics
Classification: Uncertain significance for Hereditary cancer-predisposing syndrome. Last evaluated: 2026-02-25. Review status: criteria provided, single submitter. Criteria: Ambry Variant Classification Scheme 2023. Collection method: clinical testing. Allele origin: germline.
Comment: The p.W76G variant (also known as c.226T>G), located in coding exon 1 of the CDKN1B gene, results from a T to G substitution at nucleotide position 226. The tryptophan at codon 76 is replaced by glycine, an amino acid with highly dissimilar properties. This amino acid position is highly conserved in available vertebrate species. In addition, this alteration is predicted to be deleterious by in silico analysis. Based on the available evidence, the clinical significance of this variant remains unclear.

NM_004064.5(CDKN1B):c.226T>G (p.Trp76Gly)

Gene: CDKN1B (cyclin dependent kinase inhibitor 1B; plus strand). Cytogenetic location: 12p13.1.
Variant type: single nucleotide variant.
Coding change: c.226T>G on transcript NM_004064.5 (MANE Select); coding-DNA position 226, T replaced by G.
Protein change: p.Trp76Gly; replaces tryptophan 76 with glycine.
Molecular consequence: missense variant.
Genome position (GRCh38, 1-based): chr12:12,718,065, T>G. VCF-style: chr12-12718065-T-G. GRCh37 (hg19) VCF-style: chr12-12870999-T-G.
Other names: short protein forms W76G.
Identifiers: ClinVar variation 4824226 (VCV004824226.1).